The following is an entry in ClinVar:

NM_000722.4(CACNA2D1):c.2185A>G (p.Thr729Ala)

Gene: CACNA2D1 (calcium voltage-gated channel auxiliary subunit alpha2delta 1; minus strand). Cytogenetic location: 7q21.11.
Variant type: single nucleotide variant.
Coding change: c.2185A>G on transcript NM_000722.4 (MANE Select); coding-DNA position 2185, A replaced by G.
Protein change: p.Thr729Ala; replaces threonine 729 with alanine.
Molecular consequence: missense variant.
Genome position (GRCh38, 1-based): chr7:81,970,694, T>C on the plus strand (A>G on the coding strand, the complement: CACNA2D1 is on the minus strand). VCF-style: chr7-81970694-T-C. GRCh37 (hg19) VCF-style: chr7-81600010-T-C.
Other names: c.2221A>G, p.Thr741Ala (NM_001366867.1); short protein forms T729A, T741A.
Identifiers: ClinVar variation 2585874 (VCV002585874.2), dbSNP rs2484604173, ClinGen allele CA367891382.

ClinVar aggregate classification (germline): Uncertain significance (1 of 4 stars; one submission).

Conditions:
Cardiovascular phenotype. Identifiers: MedGen CN230736.

Submission:

Ambry Genetics
Classification: Uncertain significance for Cardiovascular phenotype. Last evaluated: 2023-08-29. Review status: criteria provided, single submitter. Criteria: Ambry Variant Classification Scheme 2023. Collection method: clinical testing. Allele origin: germline.
Comment: The p.T729A variant (also known as c.2185A>G), located in coding exon 27 of the CACNA2D1 gene, results from an A to G substitution at nucleotide position 2185. The threonine at codon 729 is replaced by alanine, an amino acid with similar properties. This amino acid position is conserved. In addition, the in silico prediction for this alteration is inconclusive. Since supporting evidence is limited at this time, the clinical significance of this alteration remains unclear.